The following is an entry in ClinVar:

NM_001999.4(FBN2):c.2554+5G>T

Gene: FBN2 (fibrillin 2; minus strand). Cytogenetic location: 5q23.3.
Variant type: single nucleotide variant.
Coding change: c.2554+5G>T on transcript NM_001999.4 (MANE Select); 5 bases into the intron after coding-DNA position 2554, G replaced by T.
Molecular consequence: intron variant.
Genome position (GRCh38, 1-based): chr5:128,361,718, C>A on the plus strand (G>T on the coding strand, the complement: FBN2 is on the minus strand). VCF-style: chr5-128361718-C-A. GRCh37 (hg19) VCF-style: chr5-127697411-C-A.
Identifiers: ClinVar variation 1465274 (VCV001465274.6), dbSNP rs2126936993, ClinGen allele CA2573139025.

ClinVar aggregate classification (germline): Uncertain significance (1 of 4 stars; one submission).

Conditions:
Congenital contractural arachnodactyly (CCA). Also called: Beals-Hecht syndrome; Arthrogryposis, distal, type 9; BEALS SYNDROME. Identifiers: Orphanet 115, MedGen C0220668, MONDO:0007363, OMIM 121050.

Allele frequency attached by ClinVar (database versions not stated): gnomAD exomes below 0.00001.
gnomAD v4.1: 7 of 1,614,148 alleles (0.00043%); highest among the groups gnomAD compares: South Asian, 0.0011%; no homozygotes.

Submission:

Labcorp Genetics (formerly Invitae), Labcorp
Classification: Uncertain significance for Congenital contractural arachnodactyly. Last evaluated: 2021-07-01. Review status: criteria provided, single submitter. Criteria: Invitae Variant Classification Sherloc (09022015). Collection method: clinical testing. Allele origin: germline.
Comment: This variant is not present in population databases (ExAC no frequency). This variant has not been reported in the literature in individuals affected with FBN2-related conditions. Nucleotide substitutions within the consensus splice site are a relatively common cause of aberrant splicing (PMID: 17576681, 9536098). Algorithms developed to predict the effect of sequence changes on RNA splicing suggest that this variant may disrupt the consensus splice site. In summary, the available evidence is currently insufficient to determine the role of this variant in disease. Therefore, it has been classified as a Variant of Uncertain Significance. This sequence change falls in intron 19 of the FBN2 gene. It does not directly change the encoded amino acid sequence of the FBN2 protein. It affects a nucleotide within the consensus splice site of the intron.

Literature cited by the submitters: PubMed 17576681; PubMed 9536098.